The following is an entry in ClinVar:

NM_000038.6(APC):c.530A>G (p.Asn177Ser)

Gene: APC (APC regulator of Wnt signaling pathway; plus strand). Cytogenetic location: 5q22.2.
Variant type: single nucleotide variant.
Coding change: c.530A>G on transcript NM_000038.6 (MANE Select); coding-DNA position 530, A replaced by G.
Protein change: p.Asn177Ser; replaces asparagine 177 with serine.
Molecular consequence: missense variant. On other transcripts: 5 prime UTR variant (1).
Genome position (GRCh38, 1-based): chr5:112,775,736, A>G. VCF-style: chr5-112775736-A-G. GRCh37 (hg19) VCF-style: chr5-112111433-A-G.
Other names: c.530A>G, p.Asn177Ser (NM_001127510.3, NM_001354895.2, NM_001354896.2 and 2 more transcripts); c.560A>G, p.Asn187Ser (NM_001127511.3, NM_001354897.2, NM_001354902.2); c.455A>G, p.Asn152Ser (NM_001354898.2, NM_001354904.2); c.353A>G, p.Asn118Ser (NM_001354900.2, NM_001354901.2, NM_001354905.2); c.-506A>G (NM_001354906.2); short protein forms N177S, N187S, N118S, N152S.
Identifiers: ClinVar variation 629209 (VCV000629209.13), dbSNP rs1561478485, ClinGen allele CA16022487.

ClinVar aggregate classification (germline): Uncertain significance. Review status: criteria provided, multiple submitters, no conflicts (2 of 4 stars). 2 submissions from 2 submitters: Uncertain significance (2). Last evaluated 2020-03-11.

Conditions:
Hereditary cancer-predisposing syndrome. Also called: Neoplastic Syndromes, Hereditary; Tumor predisposition; Hereditary neoplastic syndrome; Hereditary Cancer Syndrome. Identifiers: Orphanet 140162, MedGen C0027672, MeSH D009386, MONDO:0015356.
Familial adenomatous polyposis 1 (FAP1). Also called: POLYPOSIS, ADENOMATOUS INTESTINAL; FAMILIAL ADENOMATOUS POLYPOSIS 1, ATTENUATED. Identifiers: MedGen C2713442, MONDO:0021056, OMIM 175100. Disease mechanism: loss of function.

gnomAD v4.1: 2 of 1,526,136 alleles (0.00013%); highest among the groups gnomAD compares: Non-Finnish European, 0.00018%; no homozygotes.

Submissions (2):

Labcorp Genetics (formerly Invitae), Labcorp
Classification: Uncertain significance for Familial adenomatous polyposis 1. Last evaluated: 2020-03-11. Review status: criteria provided, single submitter. Criteria: Invitae Variant Classification Sherloc (09022015). Collection method: clinical testing. Allele origin: germline.
Comment: This variant has not been reported in the literature in individuals with APC-related conditions. ClinVar contains an entry for this variant (Variation ID: 629209). Algorithms developed to predict the effect of missense changes on protein structure and function are either unavailable or do not agree on the potential impact of this missense change (SIFT: "Deleterious"; PolyPhen-2: "Possibly Damaging"; Align-GVGD: "Class C0"). Algorithms developed to predict the effect of sequence changes on RNA splicing suggest that this variant may create or strengthen a splice site, but this prediction has not been confirmed by published transcriptional studies. In summary, the available evidence is currently insufficient to determine the role of this variant in disease. Therefore, it has been classified as a Variant of Uncertain Significance. This sequence change replaces asparagine with serine at codon 177 of the APC protein (p.Asn177Ser). The asparagine residue is highly conserved and there is a small physicochemical difference between asparagine and serine. This variant is not present in population databases (ExAC no frequency).

Color Diagnostics, LLC DBA Color Health
Classification: Uncertain significance for Hereditary cancer-predisposing syndrome. Last evaluated: 2019-03-16. Review status: criteria provided, single submitter. Criteria: ACMG Guidelines, 2015. Collection method: clinical testing. Allele origin: germline.